The following is an entry in ClinVar:

NM_000051.4(ATM):c.6975+5del

Genes: ATM (ATM serine/threonine kinase; plus strand), C11orf65 (chromosome 11 open reading frame 65; minus strand). Cytogenetic location: 11q22.3.
Variant type: Deletion.
Coding change: c.6975+5del on transcript NM_000051.4 (MANE Select); 5 bases into the intron after coding-DNA position 6975, one base deleted (G; older notation c.6975+5delG).
Molecular consequence: intron variant.
Genome position (GRCh38, 1-based): chr11:108,326,230, G deleted. VCF-style (leftmost placement, unchanged base first): chr11-108326229-TG-T. GRCh37 (hg19) VCF-style: chr11-108196956-TG-T.
Other names: c.6975+5delG (NM_000051.3); c.6975+5del (NM_001351834.2); c.641-17159del (NM_001330368.2); c.*38+8990del (NM_001351110.2).
Identifiers: ClinVar variation 482638 (VCV000482638.16), dbSNP rs1442949382, ClinGen allele CA658656284.

ClinVar aggregate classification (germline): Conflicting classifications of pathogenicity. Review status: criteria provided, conflicting classifications (1 of 4 stars). 5 submissions from 5 submitters: Likely pathogenic (1); Uncertain significance (4). Last evaluated 2025-05-07.

Conditions:
Hereditary cancer-predisposing syndrome. Also called: Neoplastic Syndromes, Hereditary; Hereditary Cancer Syndrome; Tumor predisposition; Hereditary neoplastic syndrome. Identifiers: Orphanet 140162, MedGen C0027672, MeSH D009386, MONDO:0015356.
Ataxia-telangiectasia syndrome (AT). Also called: LOUIS-BAR SYNDROME; Cerebello-oculocutaneous telangiectasia; Immunodeficiency with ataxia telangiectasia; Ataxia-telangiectasia, complementation group D; AT, COMPLEMENTATION GROUP C; Ataxia-telangiectasia, complementation group E. Identifiers: Orphanet 100, MedGen C0004135, MONDO:0008840, OMIM 208900.
Familial cancer of breast. Also called: Hereditary breast cancer; BREAST CANCER, FAMILIAL; hereditary breast carcinoma. Identifiers: Orphanet 227535, MedGen C0346153, MONDO:0016419, OMIM 114480. Disease mechanism: loss of function.

Allele frequency attached by ClinVar (database versions not stated): TOPMed below 0.00001; gnomAD exomes below 0.00001; gnomAD 0.00001.

Submissions (5):

Ambry Genetics
Classification: Uncertain significance for Hereditary cancer-predisposing syndrome. Last evaluated: 2025-05-07. Review status: criteria provided, single submitter. Criteria: Ambry Variant Classification Scheme 2023. Collection method: clinical testing. Allele origin: germline.
Comment: The c.6975+5delG intronic variant, located in intron 46 of the ATM gene, results from a deletion of one nucleotide within intron 46 of the ATM gene. This nucleotide position is not well conserved in available vertebrate species. In silico splice site analysis predicts that this alteration will weaken the native splice donor site; however, direct evidence is insufficient at this time (Ambry internal data). Based on the available evidence, the clinical significance of this variant remains unclear.

Labcorp Genetics (formerly Invitae), Labcorp
Classification: Likely pathogenic for Ataxia-telangiectasia syndrome. Last evaluated: 2024-05-29. Review status: criteria provided, single submitter. Criteria: Invitae Variant Classification Sherloc (09022015). Collection method: clinical testing. Allele origin: germline.
Comment: This sequence change falls in intron 47 of the ATM gene. It does not directly change the encoded amino acid sequence of the ATM protein. RNA analysis indicates that this variant induces altered splicing and may result in an absent or disrupted protein product. This variant is not present in population databases (gnomAD no frequency). This variant has not been reported in the literature in individuals affected with ATM-related conditions. ClinVar contains an entry for this variant (Variation ID: 482638). Variants that disrupt the consensus splice site are a relatively common cause of aberrant splicing (PMID: 17576681, 9536098). Studies have shown that this variant results in retention of intron 47 and introduces a premature termination codon (Invitae). The resulting mRNA is expected to undergo nonsense-mediated decay. In summary, the currently available evidence indicates that the variant is pathogenic, but additional data are needed to prove that conclusively. Therefore, this variant has been classified as Likely Pathogenic.

Baylor Genetics
Classification: Uncertain significance for Familial cancer of breast. Last evaluated: 2024-01-01. Review status: criteria provided, single submitter. Criteria: ACMG Guidelines, 2015. Collection method: clinical testing. Allele origin: unknown.

GeneDx
Classification: Uncertain significance. Last evaluated: 2023-07-31. Review status: criteria provided, single submitter. Criteria: GeneDx Variant Classification Process June 2021. Collection method: clinical testing. Allele origin: germline. Affected: yes.
Comment: Not observed at significant frequency in large population cohorts (gnomAD); In silico analysis is inconclusive as to whether the variant alters gene splicing. In the absence of RNA/functional studies, the actual effect of this sequence change is unknown.; Has not been previously published as pathogenic or benign to our knowledge; Also known as IVS49+5del

Color Diagnostics, LLC DBA Color Health
Classification: Uncertain significance for Hereditary cancer-predisposing syndrome. Last evaluated: 2019-03-01. Review status: criteria provided, single submitter. Criteria: ACMG Guidelines, 2015. Collection method: clinical testing. Allele origin: germline.

Literature cited by the submitters: PubMed 17576681 (cited by Labcorp Genetics (formerly Invitae), Labcorp); PubMed 9536098 (cited by Labcorp Genetics (formerly Invitae), Labcorp).